The following is an entry in ClinVar:

ClinVar aggregate classification (germline): Uncertain significance. Review status: criteria provided, multiple submitters, no conflicts (2 of 4 stars). 5 submissions from 5 submitters: Uncertain significance (5). Last evaluated 2025-06-09.

Conditions:
Ataxia-pancytopenia syndrome (ATXPC). Also called: SAMD9L Ataxia-Pancytopenia Syndrome; SAMD9L-Related Syndrome. Identifiers: Orphanet 2585, MedGen C1327919, MONDO:0008038, OMIM 159550.
Inborn genetic diseases. Identifiers: MedGen C0950123, MeSH D030342.

Allele frequency attached by ClinVar (database versions not stated): gnomAD exomes below 0.00001; TOPMed below 0.00001.
gnomAD v4.1: 2 of 1,614,038 alleles (0.00012%); highest among the groups gnomAD compares: African/African-American, 0.0013%; no homozygotes.

Submissions (5):

Labcorp Genetics (formerly Invitae), Labcorp
Classification: Uncertain significance. Last evaluated: 2025-06-09. Review status: criteria provided, single submitter. Criteria: Invitae Variant Classification Sherloc (09022015). Collection method: clinical testing. Allele origin: germline.
Comment: This sequence change replaces asparagine, which is neutral and polar, with serine, which is neutral and polar, at codon 76 of the SAMD9L protein (p.Asn76Ser). This variant is not present in population databases (gnomAD no frequency). This variant has not been reported in the literature in individuals affected with SAMD9L-related conditions. ClinVar contains an entry for this variant (Variation ID: 1509338). An algorithm developed to predict the effect of missense changes on protein structure and function (PolyPhen-2) suggests that this variant is likely to be tolerated. In summary, the available evidence is currently insufficient to determine the role of this variant in disease. Therefore, it has been classified as a Variant of Uncertain Significance.

GeneDx
Classification: Uncertain significance. Last evaluated: 2024-12-17. Review status: criteria provided, single submitter. Criteria: GeneDx Variant Classification Process June 2021. Collection method: clinical testing. Allele origin: germline.
Comment: Not observed at significant frequency in large population cohorts (gnomAD); In silico analysis indicates that this missense variant does not alter protein structure/function; Has not been previously published as pathogenic or benign to our knowledge

Ambry Genetics
Classification: Uncertain significance for Inborn genetic diseases. Last evaluated: 2024-10-17. Review status: criteria provided, single submitter. Criteria: Ambry Variant Classification Scheme 2023. Collection method: clinical testing. Allele origin: germline.
Comment: The p.N76S variant (also known as c.227A>G), located in coding exon 1 of the SAMD9L gene, results from an A to G substitution at nucleotide position 227. The asparagine at codon 76 is replaced by serine, an amino acid with highly similar properties. This amino acid position is conserved. In addition, this alteration is predicted to be tolerated by in silico analysis. Based on the available evidence, the clinical significance of this variant remains unclear.

St. Jude Molecular Pathology, St. Jude Children's Research Hospital
Classification: Uncertain significance for Ataxia-pancytopenia syndrome. Last evaluated: 2022-04-20. Review status: criteria provided, single submitter. Criteria: St. Jude Assertion Criteria 2020. Collection method: clinical testing. Allele origin: germline.
Comment: The SAMD9L c.227A>G (p.Asn76Ser) missense change in absent in gnomAD v2.1.1 (PM2). It is predicted to have a benign effect of this variant on protein function (BP4), but to our knowledge this prediction has not been confirmed by functional studies. To our knowledge, this variant has not been reported in individuals with SAMD9L-associated conditions. In summary, this variant meets criteria to be classified as of uncertain significance based on the ACMG/AMP criteria: PM2, BP4.

Blueprint Genetics
Classification: Uncertain significance. Last evaluated: 2021-09-15. Review status: criteria provided, single submitter. Criteria: ACMG Guidelines, 2015. Collection method: clinical testing. Allele origin: germline.

NM_152703.5(SAMD9L):c.227A>G (p.Asn76Ser)

Gene: SAMD9L (sterile alpha motif domain containing 9 like; minus strand). Cytogenetic location: 7q21.2.
Variant type: single nucleotide variant.
Coding change: c.227A>G on transcript NM_152703.5 (MANE Select); coding-DNA position 227, A replaced by G.
Protein change: p.Asn76Ser; replaces asparagine 76 with serine.
Molecular consequence: missense variant.
Genome position (GRCh38, 1-based): chr7:93,135,745, T>C on the plus strand (A>G on the coding strand, the complement: SAMD9L is on the minus strand). VCF-style: chr7-93135745-T-C. GRCh37 (hg19) VCF-style: chr7-92765058-T-C.
Other names: c.227A>G, p.Asn76Ser (NM_001303496.3, NM_001303497.3, NM_001303498.3 and 5 more transcripts); c.227A>G (NM_152703.2); short protein forms N76S.
Identifiers: ClinVar variation 1509338 (VCV001509338.13), dbSNP rs1792419152, ClinGen allele CA368206573.